The following is an entry in ClinVar:

NM_022051.3(EGLN1):c.272G>A (p.Arg91Gln)

Gene: EGLN1 (egl-9 family hypoxia inducible factor 1; minus strand). Cytogenetic location: 1q42.2.
Variant type: single nucleotide variant.
Coding change: c.272G>A on transcript NM_022051.3 (MANE Select); coding-DNA position 272, G replaced by A.
Protein change: p.Arg91Gln; replaces arginine 91 with glutamine.
Molecular consequence: missense variant.
Genome position (GRCh38, 1-based): chr1:231,421,617, C>T on the plus strand (G>A on the coding strand, the complement: EGLN1 is on the minus strand). VCF-style: chr1-231421617-C-T. GRCh37 (hg19) VCF-style: chr1-231557363-C-T.
Other names: c.272G>A, p.Arg91Gln (NM_001377260.1, NM_001377261.1); short protein forms R91Q.
Identifiers: ClinVar variation 950494 (VCV000950494.10), dbSNP rs1180795317, ClinGen allele CA345238123.
Genomic context (GRCh38, chr1:231,421,617, plus strand): 5'-TTTCCCTTGGCCGCGTCCCCGGAGGCGTTGTCCCGGCGCGCCGCTGCCTTCCTGGGCTCC[C>T]GGGCCCCGGCCCTGGGCGGCGGCACTGCAGCCGGCGGCGCGGGGCCGGAATGCTGGTGTG-3'
Protein context (NP_071334.1, residues 81-101): AAVPPPRAGA[Arg91Gln]EPRKAAARRD

ClinVar aggregate classification (germline): Uncertain significance. Review status: criteria provided, multiple submitters, no conflicts (2 of 4 stars). 2 submissions from 2 submitters: Uncertain significance (2). Last evaluated 2025-09-12.

Conditions:
Erythrocytosis, familial, 3 (ECYT3). Identifiers: Orphanet 247511, MedGen C1853286, MONDO:0012353, OMIM 609820.

Allele frequency attached by ClinVar (database versions not stated): gnomAD 0.00001; TOPMed 0.00001.
gnomAD v4.1: 4 of 1,359,928 alleles (0.00029%); highest among the groups gnomAD compares: Non-Finnish European, 0.00028%; no homozygotes.

Submissions (2):

Ambry Genetics
Classification: Uncertain significance. Last evaluated: 2025-09-12. Review status: criteria provided, single submitter. Criteria: Ambry Variant Classification Scheme 2023. Collection method: clinical testing. Allele origin: germline.
Comment: The p.R91Q variant (also known as c.272G>A), located in coding exon 1 of the EGLN1 gene, results from a G to A substitution at nucleotide position 272. The arginine at codon 91 is replaced by glutamine, an amino acid with highly similar properties. This amino acid position is conserved. In addition, this alteration is predicted to be tolerated by in silico analysis. Since supporting evidence is limited at this time, the clinical significance of this alteration remains unclear.

Labcorp Genetics (formerly Invitae), Labcorp
Classification: Uncertain significance for Erythrocytosis, familial, 3. Last evaluated: 2024-07-01. Review status: criteria provided, single submitter. Criteria: Invitae Variant Classification Sherloc (09022015). Collection method: clinical testing. Allele origin: germline.
Comment: This sequence change replaces arginine, which is basic and polar, with glutamine, which is neutral and polar, at codon 91 of the EGLN1 protein (p.Arg91Gln). This variant is not present in population databases (gnomAD no frequency). This variant has not been reported in the literature in individuals affected with EGLN1-related conditions. ClinVar contains an entry for this variant (Variation ID: 950494). An algorithm developed to predict the effect of missense changes on protein structure and function (PolyPhen-2) suggests that this variant is likely to be tolerated. In summary, the available evidence is currently insufficient to determine the role of this variant in disease. Therefore, it has been classified as a Variant of Uncertain Significance.